The following is an entry in ClinVar:

NM_006180.6(NTRK2):c.1601G>A (p.Gly534Asp)

Gene: NTRK2 (neurotrophic receptor tyrosine kinase 2; plus strand). Cytogenetic location: 9q21.33.
Variant type: single nucleotide variant.
Coding change: c.1601G>A on transcript NM_006180.6 (MANE Select); coding-DNA position 1601, G replaced by A.
Protein change: p.Gly534Asp; replaces glycine 534 with aspartic acid.
Molecular consequence: missense variant.
Genome position (GRCh38, 1-based): chr9:84,867,399, G>A. VCF-style: chr9-84867399-G-A. GRCh37 (hg19) VCF-style: chr9-87482314-G-A.
Other names: c.1553G>A, p.Gly518Asp (NM_001018064.3, NM_001018066.3, NM_001369532.1 and 2 more transcripts); c.1601G>A, p.Gly534Asp (NM_001018065.2, NM_001369537.1); c.1517G>A, p.Gly506Asp (NM_001369534.1); c.1085G>A, p.Gly362Asp (NM_001369535.1); c.1133G>A, p.Gly378Asp (NM_001369536.1); short protein forms G378D, G518D, G362D, G506D, G534D.
Identifiers: ClinVar variation 4992635 (VCV004992635.1).

ClinVar aggregate classification (germline): Uncertain significance (1 of 4 stars; one submission).

Conditions:
NTRK2-related disorder. Also called: NTRK2-related condition.

gnomAD v4.1: 1 of 1,613,962 alleles (0.000062%); highest among the groups gnomAD compares: Admixed American, 0.0017%; no homozygotes.

Submission:

PreventionGenetics, part of Exact Sciences
Classification: Uncertain significance for NTRK2-related condition. Last evaluated: 2025-09-13. Review status: criteria provided, single submitter. Criteria: ACMG Guidelines, 2015. Collection method: clinical testing. Allele origin: germline.
Comment: The NTRK2 c.1601G>A variant is predicted to result in the amino acid substitution p.Gly534Asp. To our knowledge, this variant has not been reported in the literature. This variant is reported in 0.0029% of alleles in individuals of Latino descent in gnomAD. At this time, the clinical significance of this variant is uncertain due to the absence of conclusive functional and genetic evidence.